The following is an entry in ClinVar:

NM_001797.4(CDH11):c.1424C>T (p.Ala475Val)

Gene: CDH11 (cadherin 11; minus strand). Cytogenetic location: 16q21.
Variant type: single nucleotide variant.
Coding change: c.1424C>T on transcript NM_001797.4 (MANE Select); coding-DNA position 1424, C replaced by T.
Protein change: p.Ala475Val; replaces alanine 475 with valine.
Molecular consequence: missense variant.
Genome position (GRCh38, 1-based): chr16:64,972,031, G>A on the plus strand (C>T on the coding strand, the complement: CDH11 is on the minus strand). VCF-style: chr16-64972031-G-A. GRCh37 (hg19) VCF-style: chr16-65005934-G-A.
Other names: c.1424C>T, p.Ala475Val (NM_001308392.2); c.1046C>T, p.Ala349Val (NM_001330576.2); short protein forms A475V, A349V.
Identifiers: ClinVar variation 711524 (VCV000711524.35), dbSNP rs141063325, ClinGen allele CA8092105.

ClinVar aggregate classification (germline): Benign/Likely benign. Review status: criteria provided, multiple submitters, no conflicts (2 of 4 stars). 2 submissions from 2 submitters: Benign (1); Likely benign (1). Last evaluated 2026-08-01.

Allele frequency attached by ClinVar (database versions not stated): 1000 Genomes Project 0.00260; 1000 Genomes Project 30x 0.00265; ESP Exome Variant Server 0.00292; TOPMed 0.00310; ExAC 0.00537; gnomAD 0.00790.
gnomAD v4.1: 7,632 of 1,613,330 alleles (0.47%); highest among the groups gnomAD compares: Non-Finnish European, 0.44%; 49 homozygotes.

Submissions (2):

CeGaT Center for Human Genetics Tuebingen
Classification: Likely benign. Last evaluated: 2026-08-01. Review status: criteria provided, single submitter. Criteria: CeGaT Center For Human Genetics Tuebingen Variant Classification Criteria Version 2. Collection method: clinical testing. Allele origin: germline. Affected: yes. Observed: 20 variant alleles.
Comment: CDH11: BS2

Labcorp Genetics (formerly Invitae), Labcorp
Classification: Benign. Last evaluated: 2019-12-31. Review status: criteria provided, single submitter. Criteria: Invitae Variant Classification Sherloc (09022015). Collection method: clinical testing. Allele origin: germline.